The following is an entry in ClinVar:

ClinVar aggregate classification (germline): Uncertain significance (1 of 4 stars; one submission).

Allele frequency attached by ClinVar (database versions not stated): TOPMed below 0.00001; gnomAD 0.00001; gnomAD exomes 0.00001 and 0.00002; ExAC 0.00003.
gnomAD v4.1: 18 of 1,613,974 alleles (0.0011%); highest among the groups gnomAD compares: Admixed American, 0.005%; no homozygotes.

Submission:

Labcorp Genetics (formerly Invitae), Labcorp
Classification: Uncertain significance. Last evaluated: 2021-04-14. Review status: criteria provided, single submitter. Criteria: Invitae Variant Classification Sherloc (09022015). Collection method: clinical testing. Allele origin: germline.
Comment: In summary, the available evidence is currently insufficient to determine the role of this variant in disease. Therefore, it has been classified as a Variant of Uncertain Significance. Algorithms developed to predict the effect of missense changes on protein structure and function are either unavailable or do not agree on the potential impact of this missense change (SIFT: "Deleterious"; PolyPhen-2: "Possibly Damaging"; Align-GVGD: "Class C15"). This variant has not been reported in the literature in individuals with DYM-related conditions. This variant is present in population databases (rs774748558, ExAC 0.03%). This sequence change replaces serine with leucine at codon 251 of the DYM protein (p.Ser251Leu). The serine residue is highly conserved and there is a large physicochemical difference between serine and leucine.

NM_001353214.3(DYM):c.752C>T (p.Ser251Leu)

Gene: DYM (dymeclin; minus strand). Cytogenetic location: 18q21.1.
Variant type: single nucleotide variant.
Coding change: c.752C>T on transcript NM_001353214.3 (MANE Select); coding-DNA position 752, C replaced by T.
Protein change: p.Ser251Leu; replaces serine 251 with leucine.
Molecular consequence: missense variant. On other transcripts: intron variant (4).
Genome position (GRCh38, 1-based): chr18:49,331,875, G>A on the plus strand (C>T on the coding strand, the complement: DYM is on the minus strand). VCF-style: chr18-49331875-G-A. GRCh37 (hg19) VCF-style: chr18-46858245-G-A.
Other names: c.752C>T, p.Ser251Leu (NM_001353210.3, NM_001353213.3, NM_001353215.3 and 10 more transcripts); c.749C>T, p.Ser250Leu (NM_001353211.3, NM_001353212.3, NM_001374429.1 and 1 more transcripts); c.626C>T, p.Ser209Leu (NM_001374432.1, NM_001374436.1); c.524C>T, p.Ser175Leu (NM_001374440.1); c.194-45262C>T (NM_001374443.1); c.194-45259C>T (NM_001374444.1, NM_001374442.1, NM_001374441.1); short protein forms S251L, S175L, S209L, S250L.
Identifiers: ClinVar variation 1365008 (VCV001365008.8), dbSNP rs774748558, ClinGen allele CA8958272.